The following is an entry in ClinVar:

ClinVar aggregate classification (germline): Uncertain significance (1 of 4 stars; one submission).

Submission:

GeneDx
Classification: Uncertain significance. Last evaluated: 2019-11-07. Review status: criteria provided, single submitter. Criteria: GeneDx Variant Classification Process June 2021. Collection method: clinical testing. Allele origin: germline. Affected: yes.
Comment: Not observed in large population cohorts (Lek et al., 2016); In silico analysis, which includes protein predictors and evolutionary conservation, supports a deleterious effect; Has not been previously published as pathogenic or benign to our knowledge

NM_005548.3(KARS1):c.415G>T (p.Gly139Trp)

Gene: KARS1 (lysyl-tRNA synthetase 1; minus strand). Cytogenetic location: 16q23.1.
Variant type: single nucleotide variant.
Coding change: c.415G>T on transcript NM_005548.3 (MANE Select); coding-DNA position 415, G replaced by T.
Protein change: p.Gly139Trp; replaces glycine 139 with tryptophan.
Molecular consequence: missense variant. On other transcripts: 5 prime UTR variant (1).
Genome position (GRCh38, 1-based): chr16:75,636,521, C>A on the plus strand (G>T on the coding strand, the complement: KARS1 is on the minus strand). VCF-style: chr16-75636521-C-A. GRCh37 (hg19) VCF-style: chr16-75670419-C-A.
Other names: c.499G>T, p.Gly167Trp (NM_001130089.2); c.-54G>T (NM_001378148.1); short protein forms G139W, G167W.
Identifiers: ClinVar variation 1315834 (VCV001315834.2), dbSNP rs1356303619, ClinGen allele CA396814429.